The following is an entry in ClinVar:

NM_032043.3(BRIP1):c.3117_3118del (p.Lys1040fs)

Gene: BRIP1 (BRCA1 interacting DNA helicase 1; minus strand). Cytogenetic location: 17q23.2.
Variant type: Microsatellite.
Coding change: c.3117_3118del on transcript NM_032043.3 (MANE Select); coding-DNA positions 3117 to 3118, 2 bases deleted (GA; older notation c.3117_3118delGA).
Protein change: p.Lys1040fs; shifts the reading frame from lysine 1040.
Molecular consequence: frameshift variant.
Genome position (GRCh38, 1-based): chr17:61,683,928-61,683,929, TC deleted on the plus strand (GA on the coding strand, the reverse complement: BRIP1 is on the minus strand); deleting any 2 consecutive bases within chr17:61,683,928-61,683,932 gives the same sequence; the c. name uses the placement nearest the transcript's 3' end. VCF-style (leftmost placement, unchanged base first): chr17-61683927-TTC-T. GRCh37 (hg19) VCF-style: chr17-59761288-TTC-T.
Other names: short protein forms K1040fs.
Identifiers: ClinVar variation 2032128 (VCV002032128.4), dbSNP rs2544560161, ClinGen allele CA2580613199.

ClinVar aggregate classification (germline): Uncertain significance (1 of 4 stars; one submission).

Conditions:
Familial cancer of breast. Also called: Hereditary breast cancer; hereditary breast carcinoma; BREAST CANCER, FAMILIAL. Identifiers: Orphanet 227535, MedGen C0346153, MONDO:0016419, OMIM 114480. Disease mechanism: loss of function.
Fanconi anemia complementation group J. Also called: BRIP1-Related Fanconi Anemia. Identifiers: Orphanet 84, MedGen C1836860, MONDO:0012187, OMIM 609054.

Submission:

Labcorp Genetics (formerly Invitae), Labcorp
Classification: Uncertain significance for Familial cancer of breast; Fanconi anemia complementation group J. Last evaluated: 2025-07-15. Review status: criteria provided, single submitter. Criteria: Invitae Variant Classification Sherloc (09022015). Collection method: clinical testing. Allele origin: germline.
Comment: This sequence change creates a premature translational stop signal (p.Lys1040Aspfs*4) in the BRIP1 gene. While this is not anticipated to result in nonsense mediated decay, it is expected to disrupt the last 210 amino acid(s) of the BRIP1 protein. This variant is not present in population databases (gnomAD no frequency). This variant has not been reported in the literature in individuals affected with BRIP1-related conditions. In summary, the available evidence is currently insufficient to determine the role of this variant in disease. Therefore, it has been classified as a Variant of Uncertain Significance.